The following is an entry in ClinVar:

ClinVar aggregate classification (germline): Uncertain significance (1 of 4 stars; one submission).

Conditions:
Infantile-onset ascending hereditary spastic paralysis (IAHSP). Also called: Infantile-Onset Ascending Hereditary Spastic Paralysis (IAHSP); Autosomal Recessive Juvenile Amyotrophic Lateral Sclerosis. Identifiers: Orphanet 293168, MedGen C2931441, MONDO:0011797, OMIM 607225. Disease mechanism: loss of function.

Allele frequency attached by ClinVar (database versions not stated): TOPMed below 0.00001; ExAC 0.00001; gnomAD 0.00001; gnomAD exomes 0.00001.
gnomAD v4.1: 12 of 1,613,940 alleles (0.00074%); highest among the groups gnomAD compares: African/African-American, 0.0013%; no homozygotes.

Submission:

Labcorp Genetics (formerly Invitae), Labcorp
Classification: Uncertain significance for Infantile-onset ascending hereditary spastic paralysis. Last evaluated: 2022-07-28. Review status: criteria provided, single submitter. Criteria: Invitae Variant Classification Sherloc (09022015). Collection method: clinical testing. Allele origin: germline.
Comment: This sequence change replaces glycine, which is neutral and non-polar, with valine, which is neutral and non-polar, at codon 1195 of the ALS2 protein (p.Gly1195Val). The frequency data for this variant in the population databases is considered unreliable, as metrics indicate poor data quality at this position in the gnomAD database. This variant has not been reported in the literature in individuals affected with ALS2-related conditions. ClinVar contains an entry for this variant (Variation ID: 1513442). Algorithms developed to predict the effect of missense changes on protein structure and function (SIFT, PolyPhen-2, Align-GVGD) all suggest that this variant is likely to be disruptive. In summary, the available evidence is currently insufficient to determine the role of this variant in disease. Therefore, it has been classified as a Variant of Uncertain Significance.

NM_020919.4(ALS2):c.3584G>T (p.Gly1195Val)

Gene: ALS2 (alsin Rho guanine nucleotide exchange factor ALS2; minus strand). Cytogenetic location: 2q33.1.
Variant type: single nucleotide variant.
Coding change: c.3584G>T on transcript NM_020919.4 (MANE Select); coding-DNA position 3584, G replaced by T.
Protein change: p.Gly1195Val; replaces glycine 1195 with valine.
Molecular consequence: missense variant.
Genome position (GRCh38, 1-based): chr2:201,723,370, C>A on the plus strand (G>T on the coding strand, the complement: ALS2 is on the minus strand). VCF-style: chr2-201723370-C-A. GRCh37 (hg19) VCF-style: chr2-202588093-C-A.
Other names: short protein forms G1195V.
Identifiers: ClinVar variation 1513442 (VCV001513442.5), dbSNP rs746029055, ClinGen allele CA2057835.